The following is an entry in ClinVar:

NM_003183.6(ADAM17):c.299A>T (p.Asp100Val)

Gene: ADAM17 (ADAM metallopeptidase domain 17; minus strand). Cytogenetic location: 2p25.1.
Variant type: single nucleotide variant.
Coding change: c.299A>T on transcript NM_003183.6 (MANE Select); coding-DNA position 299, A replaced by T.
Protein change: p.Asp100Val; replaces aspartic acid 100 with valine.
Molecular consequence: missense variant. On other transcripts: 5 prime UTR variant (2).
Genome position (GRCh38, 1-based): chr2:9,536,760, T>A on the plus strand (A>T on the coding strand, the complement: ADAM17 is on the minus strand). VCF-style: chr2-9536760-T-A. GRCh37 (hg19) VCF-style: chr2-9676889-T-A.
Other names: c.-382A>T (NM_001382777.1); c.-624A>T (NM_001382778.1); c.299A>T (NM_003183.4); short protein forms D100V.
Identifiers: ClinVar variation 1409718 (VCV001409718.6), dbSNP rs747536329, ClinGen allele CA1523819.
Genomic context (GRCh38, chr2:9,536,760, plus strand): 5'-ACCACGTGTCCAGTGAAGAAGTCCTGCCATTTTACAGTGTACTCGCTTTCGTTTTTACCA[T>A]CCACCACCACGACCTTGAAATTTTGTGAAAAACGTTCAGTACTTGATGTCAGGTATAATT-3'
Protein context (NP_003174.3, residues 90-110): FSQNFKVVVV[Asp100Val]GKNESEYTVK

ClinVar aggregate classification (germline): Uncertain significance. Review status: criteria provided, multiple submitters, no conflicts (2 of 4 stars). 2 submissions from 2 submitters: Uncertain significance (2). Last evaluated 2023-07-05.

Conditions:
Inflammatory skin and bowel disease, neonatal, 1. Identifiers: Orphanet 294023, MedGen C3280501, MONDO:0013693, OMIM 614328.
Inborn genetic diseases. Identifiers: MedGen C0950123, MeSH D030342.

Allele frequency attached by ClinVar (database versions not stated): gnomAD exomes 0.00001; gnomAD 0.00002; TOPMed 0.00002; ExAC 0.00001.
gnomAD v4.1: 12 of 1,613,988 alleles (0.00074%); highest among the groups gnomAD compares: African/African-American, 0.0013%; no homozygotes.

Submissions (2):

Ambry Genetics
Classification: Uncertain significance for Inborn genetic diseases. Last evaluated: 2023-07-05. Review status: criteria provided, single submitter. Criteria: Ambry Variant Classification Scheme 2023. Collection method: clinical testing. Allele origin: germline.

Labcorp Genetics (formerly Invitae), Labcorp
Classification: Uncertain significance for Inflammatory skin and bowel disease, neonatal, 1. Last evaluated: 2021-09-24. Review status: criteria provided, single submitter. Criteria: Invitae Variant Classification Sherloc (09022015). Collection method: clinical testing. Allele origin: germline.
Comment: This sequence change replaces aspartic acid with valine at codon 100 of the ADAM17 protein (p.Asp100Val). The aspartic acid residue is highly conserved and there is a large physicochemical difference between aspartic acid and valine. This variant is present in population databases (rs747536329, ExAC 0.001%). This variant has not been reported in the literature in individuals with ADAM17-related conditions. Algorithms developed to predict the effect of missense changes on protein structure and function are either unavailable or do not agree on the potential impact of this missense change (SIFT: "Not Available"; PolyPhen-2: "Possibly Damaging"; Align-GVGD: "Not Available"). In summary, the available evidence is currently insufficient to determine the role of this variant in disease. Therefore, it has been classified as a Variant of Uncertain Significance.